The following is an entry in ClinVar:

NM_002485.5(NBN):c.943A>C (p.Ile315Leu)

Gene: NBN (nibrin; minus strand). Cytogenetic location: 8q21.3.
Variant type: single nucleotide variant.
Coding change: c.943A>C on transcript NM_002485.5 (MANE Select); coding-DNA position 943, A replaced by C.
Protein change: p.Ile315Leu; replaces isoleucine 315 with leucine.
Molecular consequence: missense variant.
Genome position (GRCh38, 1-based): chr8:89,964,461, T>G on the plus strand (A>C on the coding strand, the complement: NBN is on the minus strand). VCF-style: chr8-89964461-T-G. GRCh37 (hg19) VCF-style: chr8-90976689-T-G.
Other names: c.697A>C, p.Ile233Leu (NM_001024688.3); short protein forms I233L, I315L.
Identifiers: ClinVar variation 3917596 (VCV003917596.1).
Genomic context (GRCh38, chr8:89,964,461, plus strand): 5'-TTCAATTACCTGTACTGGGATGGCCCTGAGGATCACAGTAATTCTTTGTAGTCATGAAAA[T>G]CACCGCCAATCCAATTTCTGCTTCAGGAATAGGTCTAAGACCTTGCCTATTAGAATAAAA-3'
Protein context (NP_002476.2, residues 305-325): IPEAEIGLAV[Ile315Leu]FMTTKNYCDP

ClinVar aggregate classification (germline): Uncertain significance (1 of 4 stars; one submission).

Conditions:
Hereditary cancer-predisposing syndrome. Also called: Hereditary Cancer Syndrome; Hereditary neoplastic syndrome; Neoplastic Syndromes, Hereditary; Tumor predisposition. Identifiers: Orphanet 140162, MedGen C0027672, MeSH D009386, MONDO:0015356.

Submission:

Ambry Genetics
Classification: Uncertain significance for Hereditary cancer-predisposing syndrome. Last evaluated: 2025-05-23. Review status: criteria provided, single submitter. Criteria: Ambry Variant Classification Scheme 2023. Collection method: clinical testing. Allele origin: germline.
Comment: The p.I315L variant (also known as c.943A>C), located in coding exon 8 of the NBN gene, results from an A to C substitution at nucleotide position 943. The isoleucine at codon 315 is replaced by leucine, an amino acid with highly similar properties. This amino acid position is conserved. In addition, this alteration is predicted to be tolerated by in silico analysis. Based on the available evidence, the clinical significance of this variant remains unclear.